The following is an entry in ClinVar:

ClinVar aggregate classification (germline): Uncertain significance. Review status: criteria provided, single submitter (1 of 4 stars). 2 submissions from 2 submitters: Uncertain significance (1). 1 of the submissions does not count toward it. Last evaluated 2025-07-16.

Conditions:
ADCY3-related disorder. Also called: ADCY3-related condition.

Allele frequency attached by ClinVar (database versions not stated): ExAC 0.00031; TOPMed 0.00033; gnomAD 0.00036; ESP Exome Variant Server 0.00046; gnomAD exomes 0.00081.
gnomAD v4.1: 1,207 of 1,613,532 alleles (0.075%); highest among the groups gnomAD compares: Non-Finnish European, 0.098%; no homozygotes.

Submissions (2):

Labcorp Genetics (formerly Invitae), Labcorp
Classification: Uncertain significance. Last evaluated: 2025-07-16. Review status: criteria provided, single submitter. Criteria: Invitae Variant Classification Sherloc (09022015). Collection method: clinical testing. Allele origin: germline.
Comment: This sequence change replaces asparagine, which is neutral and polar, with lysine, which is basic and polar, at codon 1000 of the ADCY3 protein (p.Asn1000Lys). This variant is present in population databases (rs147179390, gnomAD 0.06%). This variant has not been reported in the literature in individuals affected with ADCY3-related conditions. ClinVar contains an entry for this variant (Variation ID: 2632007). Invitae Evidence Modeling of protein sequence and biophysical properties (such as structural, functional, and spatial information, amino acid conservation, physicochemical variation, residue mobility, and thermodynamic stability) indicates that this missense variant is not expected to disrupt ADCY3 protein function with a negative predictive value of 80%. In summary, the available evidence is currently insufficient to determine the role of this variant in disease. Therefore, it has been classified as a Variant of Uncertain Significance.

PreventionGenetics, part of Exact Sciences
Classification: Likely benign for ADCY3-related condition. Last evaluated: 2024-03-11. Review status: no assertion criteria provided. Collection method: clinical testing. Allele origin: germline. Not counted in ClinVar's aggregate classification.
Comment: This variant is classified as likely benign based on ACMG/AMP sequence variant interpretation guidelines (Richards et al. 2015 PMID: 25741868, with internal and published modifications).

NM_004036.5(ADCY3):c.3000C>A (p.Asn1000Lys)

Gene: ADCY3 (adenylate cyclase 3; minus strand). Cytogenetic location: 2p23.3.
Variant type: single nucleotide variant.
Coding change: c.3000C>A on transcript NM_004036.5 (MANE Select); coding-DNA position 3000, C replaced by A.
Protein change: p.Asn1000Lys; replaces asparagine 1000 with lysine.
Molecular consequence: missense variant.
Genome position (GRCh38, 1-based): chr2:24,822,514, G>T on the plus strand (C>A on the coding strand, the complement: ADCY3 is on the minus strand). VCF-style: chr2-24822514-G-T. GRCh37 (hg19) VCF-style: chr2-25045383-G-T.
Other names: c.3003C>A, p.Asn1001Lys (NM_001320613.2); c.3066C>A, p.Asn1022Lys (NM_001377128.1); c.2862C>A, p.Asn954Lys (NM_001377129.1); c.2448C>A, p.Asn816Lys (NM_001377130.1); c.2277C>A, p.Asn759Lys (NM_001377131.1); c.3000C>A, p.Asn1000Lys (NM_001377132.1); short protein forms N1000K, N1001K, N1022K, N759K, N816K, N954K.
Identifiers: ClinVar variation 2632007 (VCV002632007.4), dbSNP rs147179390, ClinGen allele CA1553558.